The following is an entry in ClinVar:

NM_002907.4(RECQL):c.862T>C (p.Tyr288His)

Gene: RECQL (RecQ like helicase; minus strand). Cytogenetic location: 12p12.1.
Variant type: single nucleotide variant.
Coding change: c.862T>C on transcript NM_002907.4 (MANE Select); coding-DNA position 862, T replaced by C.
Protein change: p.Tyr288His; replaces tyrosine 288 with histidine.
Molecular consequence: missense variant.
Genome position (GRCh38, 1-based): chr12:21,477,808, A>G on the plus strand (T>C on the coding strand, the complement: RECQL is on the minus strand). VCF-style: chr12-21477808-A-G. GRCh37 (hg19) VCF-style: chr12-21630742-A-G.
Other names: c.862T>C, p.Tyr288His (NM_032941.3); short protein forms Y288H.
Identifiers: ClinVar variation 3944181 (VCV003944181.1).

ClinVar aggregate classification (germline): Uncertain significance (1 of 4 stars; one submission).

Submission:

Ambry Genetics
Classification: Uncertain significance. Last evaluated: 2025-04-12. Review status: criteria provided, single submitter. Criteria: Ambry Variant Classification Scheme 2023. Collection method: clinical testing. Allele origin: germline.
Comment: The p.Y288H variant (also known as c.862T>C), located in coding exon 6 of the RECQL gene, results from a T to C substitution at nucleotide position 862. The tyrosine at codon 288 is replaced by histidine, an amino acid with similar properties. This amino acid position is conserved. In addition, this alteration is predicted to be deleterious by in silico analysis. Based on the available evidence, the clinical significance of this variant remains unclear.